The following is an entry in ClinVar:

NM_000384.3(APOB):c.10144G>C (p.Glu3382Gln)

Gene: APOB (apolipoprotein B; minus strand). Cytogenetic location: 2p24.1.
Variant type: single nucleotide variant.
Coding change: c.10144G>C on transcript NM_000384.3 (MANE Select); coding-DNA position 10144, G replaced by C.
Protein change: p.Glu3382Gln; replaces glutamic acid 3382 with glutamine.
Molecular consequence: missense variant.
Genome position (GRCh38, 1-based): chr2:21,006,724, C>G on the plus strand (G>C on the coding strand, the complement: APOB is on the minus strand). VCF-style: chr2-21006724-C-G. GRCh37 (hg19) VCF-style: chr2-21229596-C-G.
Other names: short protein forms E3382Q.
Identifiers: ClinVar variation 3343326 (VCV003343326.4).

ClinVar aggregate classification (germline): Conflicting classifications of pathogenicity. Review status: criteria provided, conflicting classifications (1 of 4 stars). 3 submissions from 3 submitters: Uncertain significance (2); Benign (1). Last evaluated 2026-04-23.

Conditions:
Familial hypobetalipoproteinemia 1. Also called: APOB-Related Familial Hypobetalipoproteinemia; Hypobetalipoproteinemia, normotriglyceridemic; Acanthocytosis with hypobetalipoproteinemia. Identifiers: MedGen C4551990, MONDO:0014252, OMIM 615558.
Hypercholesterolemia, autosomal dominant, type B (FHCL2). Also called: Familial Hypercholesterolemia Type B; APOLIPOPROTEIN B-100, FAMILIAL DEFECTIVE; APOLIPOPROTEIN B-100, FAMILIAL LIGAND-DEFECTIVE; HYPERCHOLESTEROLEMIA, FAMILIAL, DUE TO LIGAND-DEFECTIVE APOLIPOPROTEIN B; Hyperlipoproteinemia Type IIb; APOB-Related Familial Hypercholesterolemia, Autosomal Dominant. Identifiers: MedGen C1704417, MONDO:0007751, OMIM 144010.
Cardiovascular phenotype. Identifiers: MedGen CN230736.

gnomAD v4.1: 8 of 1,613,864 alleles (0.0005%); highest among the groups gnomAD compares: African/African-American, 0.011%; no homozygotes.

Submissions (3):

Ambry Genetics
Classification: Uncertain significance for Cardiovascular phenotype. Last evaluated: 2026-04-23. Review status: criteria provided, single submitter. Criteria: Ambry Variant Classification Scheme 2023. Collection method: clinical testing. Allele origin: germline.
Comment: The p.E3382Q variant (also known as c.10144G>C), located in coding exon 26 of the APOB gene, results from a G to C substitution at nucleotide position 10144. The glutamic acid at codon 3382 is replaced by glutamine, an amino acid with highly similar properties. This variant was reported in individual(s) with features consistent with familial hypercholesterolemia (Ambry internal data). This amino acid position is not well conserved in available vertebrate species. In addition, this alteration is predicted to be tolerated by in silico analysis. Based on the available evidence, the clinical significance of this variant remains unclear for autosomal dominant familial hypercholesterolemia; however, it is unlikely to be causative of autosomal recessive hypobetalipoproteinemia.

Labcorp Genetics (formerly Invitae), Labcorp
Classification: Benign for Familial hypobetalipoproteinemia 1; Hypercholesterolemia, autosomal dominant, type B. Last evaluated: 2024-11-15. Review status: criteria provided, single submitter. Criteria: Invitae Variant Classification Sherloc (09022015). Collection method: clinical testing. Allele origin: germline.

GeneDx
Classification: Uncertain significance. Last evaluated: 2023-12-12. Review status: criteria provided, single submitter. Criteria: GeneDx Variant Classification Process June 2021. Collection method: clinical testing. Allele origin: germline. Affected: yes.
Comment: Has not been previously published as pathogenic or benign to our knowledge; Not observed at significant frequency in large population cohorts (gnomAD); In silico analysis supports that this missense variant does not alter protein structure/function; Also known as p.(E3355Q)